The following is an entry in ClinVar:

ClinVar aggregate classification (germline): Uncertain significance. Review status: criteria provided, multiple submitters, no conflicts (2 of 4 stars). 3 submissions from 3 submitters: Uncertain significance (3). Last evaluated 2026-01-18.

Allele frequency attached by ClinVar (database versions not stated): ExAC 0.00002; gnomAD exomes 0.00003 and 0.00006; gnomAD 0.00009 and 0.00010; TOPMed 0.00011.
gnomAD v4.1: 109 of 1,612,030 alleles (0.0068%); highest among the groups gnomAD compares: Non-Finnish European, 0.0082%; no homozygotes.

Submissions (3):

Labcorp Genetics (formerly Invitae), Labcorp
Classification: Uncertain significance. Last evaluated: 2026-01-18. Review status: criteria provided, single submitter. Criteria: Invitae Variant Classification Sherloc (09022015). Collection method: clinical testing. Allele origin: germline.
Comment: This sequence change replaces glycine, which is neutral and non-polar, with serine, which is neutral and polar, at codon 300 of the ACAN protein (p.Gly300Ser). This variant is present in population databases (rs746931049, gnomAD 0.007%). This variant has not been reported in the literature in individuals affected with ACAN-related conditions. ClinVar contains an entry for this variant (Variation ID: 388928). Invitae Evidence Modeling of protein sequence and biophysical properties (such as structural, functional, and spatial information, amino acid conservation, physicochemical variation, residue mobility, and thermodynamic stability) indicates that this missense variant is not expected to disrupt ACAN protein function with a negative predictive value of 80%. In summary, the available evidence is currently insufficient to determine the role of this variant in disease. Therefore, it has been classified as a Variant of Uncertain Significance.

GeneDx
Classification: Uncertain significance. Last evaluated: 2024-11-21. Review status: criteria provided, single submitter. Criteria: GeneDx Variant Classification Process June 2021. Collection method: clinical testing. Allele origin: germline. Affected: yes.
Comment: In silico analysis supports that this missense variant has a deleterious effect on protein structure/function; Has not been previously published as pathogenic or benign to our knowledge

Blueprint Genetics
Classification: Uncertain significance. Last evaluated: 2021-05-31. Review status: criteria provided, single submitter. Criteria: ACMG Guidelines, 2015. Collection method: clinical testing. Allele origin: germline.

NM_001369268.1(ACAN):c.898G>A (p.Gly300Ser)

Gene: ACAN (aggrecan; plus strand). Cytogenetic location: 15q26.1.
Variant type: single nucleotide variant.
Coding change: c.898G>A on transcript NM_001369268.1 (MANE Select); coding-DNA position 898, G replaced by A.
Protein change: p.Gly300Ser; replaces glycine 300 with serine.
Molecular consequence: missense variant.
Genome position (GRCh38, 1-based): chr15:88,843,495, G>A. VCF-style: chr15-88843495-G-A. GRCh37 (hg19) VCF-style: chr15-89386726-G-A.
Other names: c.898G>A, p.Gly300Ser (NM_001135.4, NM_013227.4); short protein forms G300S.
Identifiers: ClinVar variation 388928 (VCV000388928.11), dbSNP rs746931049, ClinGen allele CA7719398.